The following is an entry in ClinVar:

NM_001003800.2(BICD2):c.2461A>G (p.Thr821Ala)

Gene: BICD2 (BICD cargo adaptor 2; minus strand). Cytogenetic location: 9q22.31.
Variant type: single nucleotide variant.
Coding change: c.2461A>G on transcript NM_001003800.2 (MANE Select); coding-DNA position 2461, A replaced by G.
Protein change: p.Thr821Ala; replaces threonine 821 with alanine.
Molecular consequence: missense variant.
Genome position (GRCh38, 1-based): chr9:92,715,261, T>C on the plus strand (A>G on the coding strand, the complement: BICD2 is on the minus strand). VCF-style: chr9-92715261-T-C. GRCh37 (hg19) VCF-style: chr9-95477543-T-C.
Other names: c.2461A>G, p.Thr821Ala (NM_015250.4); short protein forms T821A.
Identifiers: ClinVar variation 643508 (VCV000643508.11), dbSNP rs776472510, ClinGen allele CA5126294.
Genomic context (GRCh38, chr9:92,715,261, plus strand): 5'-CCAGCCCGGTGCCCTCGGCCCTGTCGCTGGCACAGGCACAGGTGTGACTTACGCTCGGTG[T>C]GGCTGGCTTGGTCTTCGGGGCGGCTTTGGCACGGCCACGCCGGGTCTGCTCATGGTCCAG-3'
Protein context (NP_001003800.1, residues 811-831): AKAAPKTKPA[Thr821Ala]PSVSHTCACA

ClinVar aggregate classification (germline): Conflicting classifications of pathogenicity. Review status: criteria provided, conflicting classifications (1 of 4 stars). 2 submissions from 2 submitters: Uncertain significance (1); Likely benign (1). Last evaluated 2025-02-03.

Conditions:
Inborn genetic diseases. Identifiers: MedGen C0950123, MeSH D030342.
Autosomal dominant childhood-onset proximal spinal muscular atrophy with contractures (SMALED2A). Also called: SPINAL MUSCULAR ATROPHY, LOWER EXTREMITY-PREDOMINANT, 2A, CHILDHOOD ONSET, AUTOSOMAL DOMINANT; Spinal muscular atrophy, lower extremity-predominant, 2A, autosomal dominant. Identifiers: Orphanet 363447, Orphanet 363454, MedGen C4747715, MONDO:0014121, OMIM 615290.

Allele frequency attached by ClinVar (database versions not stated): gnomAD exomes 0.00002 and 0.00001; TOPMed 0.00002; ExAC 0.00003; gnomAD 0.00003.
gnomAD v4.1: 21 of 1,612,902 alleles (0.0013%); highest among the groups gnomAD compares: Non-Finnish European, 0.0016%; no homozygotes.

Submissions (2):

Labcorp Genetics (formerly Invitae), Labcorp
Classification: Likely benign for Autosomal dominant childhood-onset proximal spinal muscular atrophy with contractures. Last evaluated: 2025-02-03. Review status: criteria provided, single submitter. Criteria: Invitae Variant Classification Sherloc (09022015). Collection method: clinical testing. Allele origin: germline.

Ambry Genetics
Classification: Uncertain significance for Inborn genetic diseases. Last evaluated: 2020-02-03. Review status: criteria provided, single submitter. Criteria: Ambry Variant Classification Scheme 2023. Collection method: clinical testing. Allele origin: germline.
Comment: The p.T821A variant (also known as c.2461A>G), located in coding exon 7 of the BICD2 gene, results from an A to G substitution at nucleotide position 2461. The threonine at codon 821 is replaced by alanine, an amino acid with similar properties. This amino acid position is not well conserved in available vertebrate species, and alanine is the reference amino acid in other vertebrate species. In addition, this alteration is predicted to be tolerated by in silico analysis. Since supporting evidence is limited at this time, the clinical significance of this alteration remains unclear.